The following is an entry in ClinVar:

ClinVar aggregate classification (germline): Conflicting classifications of pathogenicity. Review status: criteria provided, conflicting classifications (1 of 4 stars). 12 submissions from 12 submitters: Uncertain significance (8); Likely benign (1). 3 of the submissions do not count toward it. Last evaluated 2025-11-18.

Conditions:
Hereditary cancer-predisposing syndrome. Also called: Neoplastic Syndromes, Hereditary; Tumor predisposition; Hereditary neoplastic syndrome; Hereditary Cancer Syndrome. Identifiers: Orphanet 140162, MedGen C0027672, MeSH D009386, MONDO:0015356.
Hereditary breast ovarian cancer syndrome. Also called: Hereditary breast and ovarian cancer syndrome; Hereditary breast and ovarian cancer; Hereditary breast and ovarian cancer syndrome (HBOC); Breast and ovarian cancer; Hereditary breast and/or ovarian cancer syndrome; BRCA1- and BRCA2-Associated Hereditary Breast and Ovarian Cancer. Identifiers: Orphanet 145, MedGen C0677776, MeSH D061325, MONDO:0003582. Disease mechanism: loss of function.
BRCA2-related disorder. Also called: BRCA2-related condition; BRCA2-related disorders. Identifiers: MedGen CN239275.
Breast-ovarian cancer, familial, susceptibility to, 2 (BROVCA2). Also called: BRCA2 Hereditary Breast and Ovarian Cancer. Identifiers: Orphanet 145, MedGen C2675520, MONDO:0012933, OMIM 612555. Disease mechanism: loss of function.

Allele frequency attached by ClinVar (database versions not stated): gnomAD exomes below 0.00001 and 0.00001; ExAC 0.00001; gnomAD 0.00001.
gnomAD v4.1: 4 of 1,614,040 alleles (0.00025%); highest among the groups gnomAD compares: African/African-American, 0.0027%; no homozygotes.

Submissions (12):

Labcorp Genetics (formerly Invitae), Labcorp
Classification: Likely benign for Hereditary breast ovarian cancer syndrome. Last evaluated: 2025-11-18. Review status: criteria provided, single submitter. Criteria: Invitae Variant Classification Sherloc (09022015). Collection method: clinical testing. Allele origin: germline.

Center for Genomic Medicine, Rigshospitalet, Copenhagen University Hospital
Classification: Uncertain significance. Last evaluated: 2025-03-04. Review status: criteria provided, single submitter. Criteria: ACMG Guidelines, 2015. Collection method: clinical testing. Allele origin: germline.

Color Diagnostics, LLC DBA Color Health
Classification: Uncertain significance for Hereditary cancer-predisposing syndrome. Last evaluated: 2024-10-01. Review status: criteria provided, single submitter. Criteria: ACMG Guidelines, 2015. Collection method: clinical testing. Allele origin: germline.
Comment: This missense variant replaces arginine with lysine at codon 3302 of the BRCA2 protein. Computational prediction suggests that this variant may not impact protein structure and function. To our knowledge, functional studies have not been reported for this variant. This variant has been reported in at least four individuals affected with breast cancer and one unaffected individual (PMID: 12491499, 33471991; Leiden Open Variation Database DB-ID BRCA2_002114) and in an individual affected with adenocarcinoma (PMID: 28843361). Multifactorial analyses have reported tumor pathology, co-occurrence and personal and family history likelihood ratios for pathogenicity of 1.77, 1.1022 and 0.807, respectively (PMID: 31131967, 31853058). This variant has been identified in 2/251204 chromosomes in the general population by the Genome Aggregation Database (gnomAD). The available evidence is insufficient to determine the role of this variant in disease conclusively. Therefore, this variant is classified as a Variant of Uncertain Significance.

Ambry Genetics
Classification: Uncertain significance for Hereditary cancer-predisposing syndrome. Last evaluated: 2024-08-30. Review status: criteria provided, single submitter. Criteria: Ambry Variant Classification Scheme 2023. Collection method: clinical testing. Allele origin: germline.
Comment: The p.R3302K variant (also known as c.9905G>A), located in coding exon 26 of the BRCA2 gene, results from a G to A substitution at nucleotide position 9905. The arginine at codon 3302 is replaced by lysine, an amino acid with highly similar properties. This amino acid position is highly conserved in available vertebrate species. In addition, this alteration is predicted to be tolerated by in silico analysis. Since supporting evidence is limited at this time, the clinical significance of this alteration remains unclear.

PreventionGenetics, part of Exact Sciences
Classification: Uncertain significance for BRCA2-related condition. Last evaluated: 2023-04-05. Review status: criteria provided, single submitter. Criteria: ACMG Guidelines, 2015. Collection method: clinical testing. Allele origin: germline.
Comment: The BRCA2 c.9905G>A variant is predicted to result in the amino acid substitution p.Arg3302Lys. This variant has been reported in an individual with breast cancer (Table 1, Adem et al. 2003. PubMed ID: 12491499). This variant is reported in 0.0062% of alleles in individuals of African descent in gnomAD and is interpreted as uncertain significance by the vast majority of submitters in ClinVar. At this time, the clinical significance of this variant is uncertain due to the absence of conclusive functional and genetic evidence.

All of Us Research Program, National Institutes of Health
Classification: Uncertain significance for Breast-ovarian cancer, familial, susceptibility to, 2. Last evaluated: 2023-02-24. Review status: criteria provided, single submitter. Criteria: ACMG Guidelines, 2015. Collection method: clinical testing. Allele origin: germline. Inheritance: Autosomal dominant inheritance. Observed: 2 variant alleles, 2 heterozygotes.
Comment: This missense variant replaces arginine with lysine at codon 3302 of the BRCA2 protein. Computational prediction suggests that this variant may not impact protein structure and function (internally defined REVEL score threshold <= 0.5, PMID: 27666373). To our knowledge, functional studies have not been reported for this variant. This variant has been reported in at least four individuals affected with breast cancer and one unaffected individual (PMID: 12491499, 33471991; Leiden Open Variation Database DB-ID BRCA2_002114) and in an individual affected with adenocarcinoma (PMID: 28843361). A multifactorial analysis has reported tumor pathology, co-occurrence and family history likelihood ratios for pathogenicity of 1.77, 1.1022 and 0.1339, respectively (PMID: 31131967). This variant has been identified in 2/251204 chromosomes in the general population by the Genome Aggregation Database (gnomAD). The available evidence is insufficient to determine the role of this variant in disease conclusively. Therefore, this variant is classified as a Variant of Uncertain Significance.

This study involves interpretation of variants in research participants for the purpose of population health screening. Participant phenotype was not available at the time of variant classification. Additional details can be found in publication PMID: 35346344, PMCID: PMC8962531

Quest Diagnostics Nichols Institute San Juan Capistrano
Classification: Uncertain significance. Last evaluated: 2020-10-28. Review status: criteria provided, single submitter. Criteria: Quest Diagnostics criteria. Collection method: clinical testing. Allele origin: unknown.

GeneDx
Classification: Uncertain significance. Last evaluated: 2019-10-08. Review status: criteria provided, single submitter. Criteria: GeneDx Variant Classification Process June 2021. Collection method: clinical testing. Allele origin: germline. Affected: yes.
Comment: In silico analysis, which includes protein predictors and evolutionary conservation, supports that this variant does not alter protein structure/function; Observed in at least one individual with breast cancer (Adem 2003); Also known as BRCA2 10133G>A; This variant is associated with the following publications: (PMID: 12491499, 22505045)

Women's Health and Genetics/Laboratory Corporation of America, LabCorp
Classification: Uncertain significance. Last evaluated: 2017-04-21. Review status: criteria provided, single submitter. Criteria: LabCorp Variant Classification Summary - May 2015. Collection method: clinical testing. Allele origin: germline.
Comment: Variant summary: The BRCA2 c.9905G>A (p.Arg3302Lys) variant involves the alteration of a conserved nucleotide, resulting in a missense substitution and 4/5 in silico tools predict a damaging outcome for this variant. 5/5 splice prediction tools predict no significant impact on normal splicing but ESE finder predicts that this variant may introduce an SF2/ASF ESE site at the locus. However, functional studies have shown that the variant has not effect on splicing via RNA analysis from a patient blood sample (Houdayer_2012). This variant was found in the large control database ExAC at a frequency of 0.0000082 (1/121326 control chromosomes), which does not exceed the estimated maximal expected allele frequency of a pathogenic BRCA2 variant (0.0007503). In addition, multiple clinical diagnostic laboratories/reputable databases have classified this variant with differing interpretations, "uncertain significance" and "likely benign." Taken together, this variant is classified as a "Variant of Uncertain Significance (VUS)," until additional information becomes available (ie, clinical and functional studies).

Counsyl
Classification: Uncertain significance for Breast-ovarian cancer, familial, susceptibility to, 2. Last evaluated: 2017-03-15. Review status: no assertion criteria provided. Collection method: clinical testing. Allele origin: unknown. Not counted in ClinVar's aggregate classification.

Sharing Clinical Reports Project (SCRP)
Classification: Likely benign for Breast-ovarian cancer, familial 2. Last evaluated: 2012-06-14. Review status: no assertion criteria provided. Collection method: clinical testing. Allele origin: germline. Not counted in ClinVar's aggregate classification.

Breast Cancer Information Core (BIC) (BRCA2)
Classification: Uncertain significance for Breast-ovarian cancer, familial 2. Last evaluated: 2002-05-29. Review status: no assertion criteria provided. Collection method: clinical testing. Allele origin: germline. Affected: yes. Observed: 3 variant alleles. Not counted in ClinVar's aggregate classification.

Literature cited by the submitters: PubMed 12491499 (cited by 5 submitters); PubMed 28843361 (cited by Color Diagnostics, LLC DBA Color Health and All of Us Research Program, National Institutes of Health); PubMed 31131967 (cited by Color Diagnostics, LLC DBA Color Health and All of Us Research Program, National Institutes of Health); PubMed 31853058 (cited by Color Diagnostics, LLC DBA Color Health); PubMed 33471991 (cited by Color Diagnostics, LLC DBA Color Health and All of Us Research Program, National Institutes of Health); PubMed 22505045 (cited by Quest Diagnostics Nichols Institute San Juan Capistrano and Women's Health and Genetics/Laboratory Corporation of America, LabCorp).

NM_000059.4(BRCA2):c.9905G>A (p.Arg3302Lys)

Gene: BRCA2 (BRCA2 DNA repair associated; plus strand). Cytogenetic location: 13q13.1.
Variant type: single nucleotide variant.
Coding change: c.9905G>A on transcript NM_000059.4 (MANE Select); coding-DNA position 9905, G replaced by A.
Protein change: p.Arg3302Lys; replaces arginine 3302 with lysine.
Molecular consequence: missense variant.
Genome position (GRCh38, 1-based): chr13:32,398,418, G>A. VCF-style: chr13-32398418-G-A. GRCh37 (hg19) VCF-style: chr13-32972555-G-A.
Other names: 10133G>A; short protein forms R3302K.
Identifiers: ClinVar variation 52913 (VCV000052913.28), dbSNP rs80359249, ClinGen allele CA026326.
Genomic context (GRCh38, chr13:32,398,418, plus strand): 5'-CTGTTAGTCCCATTTGTACATTTGTTTCTCCGGCTGCACAGAAGGCATTTCAGCCACCAA[G>A]GAGTTGTGGCACCAAATACGAAACACCCATAAAGAAAAAAGAACTGAATTCTCCTCAGAT-3'
Protein context (NP_000050.3, residues 3292-3312): PAAQKAFQPP[Arg3302Lys]SCGTKYETPI